The following is an entry in ClinVar:

ClinVar aggregate classification (germline): Pathogenic. Review status: criteria provided, multiple submitters, no conflicts (2 of 4 stars). 3 submissions from 3 submitters: Pathogenic (3). Last evaluated 2024-06-04.

Conditions:
Hereditary cancer-predisposing syndrome. Also called: Hereditary Cancer Syndrome; Neoplastic Syndromes, Hereditary; Hereditary neoplastic syndrome; Tumor predisposition. Identifiers: Orphanet 140162, MedGen C0027672, MeSH D009386, MONDO:0015356.
Familial adenomatous polyposis 1 (FAP1). Also called: FAMILIAL ADENOMATOUS POLYPOSIS 1, ATTENUATED; POLYPOSIS, ADENOMATOUS INTESTINAL. Identifiers: MedGen C2713442, MONDO:0021056, OMIM 175100. Disease mechanism: loss of function.

Submissions (3):

Ambry Genetics
Classification: Pathogenic for Hereditary cancer-predisposing syndrome. Last evaluated: 2024-06-04. Review status: criteria provided, single submitter. Criteria: Ambry Variant Classification Scheme 2023. Collection method: clinical testing. Allele origin: germline.
Comment: The c.5520delT pathogenic mutation, located in coding exon 15 of the APC gene, results from a deletion of one nucleotide at nucleotide position 5520, causing a translational frameshift with a predicted alternate stop codon (p.F1840Lfs*23). This alteration occurs at the 3' terminus of the APC gene, is not expected to trigger nonsense-mediated mRNA decay, and only impacts the last 35% of the protein. However, premature stop codons are typically deleterious in nature and a significant portion of the protein is affected (Ambry internal data). This variant is considered to be rare based on population cohorts in the Genome Aggregation Database (gnomAD). Based on the supporting evidence, this variant is interpreted as a disease-causing mutation.

Myriad Genetics, Inc.
Classification: Pathogenic for Familial adenomatous polyposis 1. Last evaluated: 2023-05-12. Review status: criteria provided, single submitter. Criteria: Myriad Autosomal Dominant, Autosomal Recessive and X-Linked Classification Criteria (2023). Collection method: clinical testing. Allele origin: unknown.
Comment: This variant is considered pathogenic. This variant creates a frameshift predicted to result in premature protein truncation.

Labcorp Genetics (formerly Invitae), Labcorp
Classification: Pathogenic for Familial adenomatous polyposis 1. Last evaluated: 2022-07-26. Review status: criteria provided, single submitter. Criteria: Invitae Variant Classification Sherloc (09022015). Collection method: clinical testing. Allele origin: germline.
Comment: For these reasons, this variant has been classified as Pathogenic. A different truncation (p.Tyr2645Lysfs*14) that lies downstream of this variant has been determined to be pathogenic (PMID: 9824584, 1316610, 27081525, 8381579, 22135120, Invitae). This suggests that deletion of this region of the APC protein is causative of disease. This variant is expected to disrupt the EB1 and HDLG binding sites, which mediate interactions with the cytoskeleton (PMID: 15311282, 17293347). While functional studies have not been performed to directly test the effect on APC protein function, this suggests that disruption of the C-terminal portion of the protein is functionally important. ClinVar contains an entry for this variant (Variation ID: 428107). This variant has not been reported in the literature in individuals affected with APC-related conditions. This variant is not present in population databases (gnomAD no frequency). This sequence change creates a premature translational stop signal (p.Phe1840Leufs*23) in the APC gene. While this is not anticipated to result in nonsense mediated decay, it is expected to disrupt the last 1004 amino acid(s) of the APC protein.

Literature cited by the submitters: PubMed 9824584 (cited by Labcorp Genetics (formerly Invitae), Labcorp); PubMed 1316610 (cited by Labcorp Genetics (formerly Invitae), Labcorp); PubMed 27081525 (cited by Labcorp Genetics (formerly Invitae), Labcorp); PubMed 8381579 (cited by Labcorp Genetics (formerly Invitae), Labcorp); PubMed 22135120 (cited by Labcorp Genetics (formerly Invitae), Labcorp); PubMed 15311282 (cited by Labcorp Genetics (formerly Invitae), Labcorp); PubMed 17293347 (cited by Labcorp Genetics (formerly Invitae), Labcorp).

NM_000038.6(APC):c.5520del (p.Phe1840fs)

Gene: APC (APC regulator of Wnt signaling pathway; plus strand). Cytogenetic location: 5q22.2.
Variant type: Deletion.
Coding change: c.5520del on transcript NM_000038.6 (MANE Select); coding-DNA position 5520, one base deleted (T; older notation c.5520delT).
Protein change: p.Phe1840fs; shifts the reading frame from phenylalanine 1840.
Molecular consequence: frameshift variant.
Genome position (GRCh38, 1-based): chr5:112,841,114, T deleted; the last of 4 consecutive T bases (chr5:112,841,111-112,841,114); deleting any one gives the same sequence. VCF-style (leftmost placement, unchanged base first): chr5-112841110-CT-C. GRCh37 (hg19) VCF-style: chr5-112176807-CT-C.
Other names: c.5520del, p.Phe1840fs (NM_001127510.3, NM_001354895.2); c.5466del, p.Phe1822fs (NM_001127511.3); c.5574del, p.Phe1858fs (NM_001354896.2); c.5550del, p.Phe1850fs (NM_001354897.2); c.5445del, p.Phe1815fs (NM_001354898.2); c.5436del, p.Phe1812fs (NM_001354899.2); c.5397del, p.Phe1799fs (NM_001354900.2); c.5343del, p.Phe1781fs (NM_001354901.2); and 5 more; short protein forms F1739fs, F1799fs, F1815fs, F1680fs, F1714fs, F1812fs, F1822fs, F1858fs.
Identifiers: ClinVar variation 428107 (VCV000428107.17), dbSNP rs1114167555, ClinGen allele CA645369379.